The following is an entry in ClinVar:

ClinVar aggregate classification (germline): Pathogenic (1 of 4 stars; one submission).

Conditions:
Fabry disease. Also called: ALPHA-GALACTOSIDASE A DEFICIENCY; ANDERSON-FABRY DISEASE; CERAMIDE TRIHEXOSIDASE DEFICIENCY; GLA DEFICIENCY; HEREDITARY DYSTOPIC LIPIDOSIS; Angiokeratoma corporis diffusum. Identifiers: Orphanet 324, MedGen C0002986, MONDO:0010526, OMIM 301500, HP:0001071. Disease mechanism: Fabry disease is due to inactivating mutations in the X-linked GLA gene resulting in deficiency of the enzyme Alpha Galactosidase-A., loss of function.

Submission:

Genomenon, Inc
Classification: Pathogenic for Fabry disease. Last evaluated: 2026-09-08. Review status: criteria provided, single submitter. Criteria: Genomenon Sequence Variant Interpretation Standards - Updated. Collection method: curation. Allele origin: germline. Affected: yes.
Comment: GLA p.Pro40His (c.119C>A) is a missense variant that changes the amino acid at codon 40 from Proline to Histidine. This variant has been observed in at least one proband with clinical features consistent with Fabry disease (PMID:20367968;30853972;39609713). The variant was found to segregate with disease in at least one affected family (PMID:30853972). At least one functional study has demonstrated a substantial alteration in protein function relative to the wild-type (PMID:27657681). This variant is located in a mutational hotspot and/or important functional domain. It is absent or not present at a significant frequency in gnomAD. In silico models predict that this variant is possibly or probably damaging. In conclusion, we classify GLA p.Pro40His (c.119C>A) as a pathogenic variant.

Literature cited by the submitters: PubMed 20367968; PubMed 30853972; PubMed 39609713; PubMed 27657681.

NM_000169.3(GLA):c.119C>A (p.Pro40His)

Genes: GLA (galactosidase alpha; minus strand), RPL36A-HNRNPH2 (RPL36A-HNRNPH2 readthrough; plus strand). Cytogenetic location: Xq22.1.
Variant type: single nucleotide variant.
Coding change: c.119C>A on transcript NM_000169.3 (MANE Select); coding-DNA position 119, C replaced by A.
Protein change: p.Pro40His; replaces proline 40 with histidine.
Molecular consequence: missense variant. On other transcripts: non-coding transcript variant (3), intron variant (2).
Genome position (GRCh38, 1-based): chrX:101,407,785, G>T on the plus strand (C>A on the coding strand, the complement: GLA is on the minus strand). VCF-style: chrX-101407785-G-T. GRCh37 (hg19) VCF-style: chrX-100662773-G-T.
Other names: c.119C>A, p.Pro40His (NM_001406747.1, NM_001406748.1, NM_001406749.1); c.301-4151G>T (NM_001199973.2); c.178-4151G>T (NM_001199974.2); short protein forms P40H.
Identifiers: ClinVar variation 4087564 (VCV004087564.2).